The following is an entry in ClinVar:

NM_001042492.3(NF1):c.5404del (p.Thr1802fs)

Gene: NF1 (neurofibromin 1; plus strand). Cytogenetic location: 17q11.2.
Variant type: Deletion.
Coding change: c.5404del on transcript NM_001042492.3 (MANE Select); coding-DNA position 5404, one base deleted (A; older notation c.5404delA).
Protein change: p.Thr1802fs; shifts the reading frame from threonine 1802.
Molecular consequence: frameshift variant.
Genome position (GRCh38, 1-based): chr17:31,327,634, A deleted; the last of 2 consecutive A bases (chr17:31,327,633-31,327,634); deleting either gives the same sequence. VCF-style (leftmost placement, unchanged base first): chr17-31327632-TA-T. GRCh37 (hg19) VCF-style: chr17-29654650-TA-T.
Other names: c.5341delA, p.Thr1781Profs (NM_000267.4); short protein forms T1781fs, T1802fs.
Identifiers: ClinVar variation 805931 (VCV000805931.3), dbSNP rs1597832056, ClinGen allele CA915949825.

ClinVar aggregate classification (germline): Pathogenic. Review status: criteria provided, multiple submitters, no conflicts (2 of 4 stars). 2 submissions from 2 submitters: Pathogenic (2). Last evaluated 2024-07-22.

Conditions:
Neurofibromatosis, type 1 (NF1). Also called: Peripheral type neurofibromatosis; NEUROFIBROMATOSIS, TYPE I, SOMATIC; Neurofibromatosis, type I; VON RECKLINGHAUSEN DISEASE. Identifiers: Orphanet 636, MedGen C0027831, MONDO:0018975, OMIM 162200. Disease mechanism: loss of function.

Submissions (2):

Labcorp Genetics (formerly Invitae), Labcorp
Classification: Pathogenic for Neurofibromatosis, type 1. Last evaluated: 2024-07-22. Review status: criteria provided, single submitter. Criteria: Invitae Variant Classification Sherloc (09022015). Collection method: clinical testing. Allele origin: germline.
Comment: This sequence change creates a premature translational stop signal (p.Thr1781Profs*61) in the NF1 gene. It is expected to result in an absent or disrupted protein product. Loss-of-function variants in NF1 are known to be pathogenic (PMID: 10712197, 23913538). This variant is not present in population databases (gnomAD no frequency). This variant has not been reported in the literature in individuals affected with NF1-related conditions. ClinVar contains an entry for this variant (Variation ID: 805931). For these reasons, this variant has been classified as Pathogenic.

Clinical Molecular Genetics Laboratory, Johns Hopkins All Children's Hospital
Classification: Pathogenic for Neurofibromatosis, type 1. Last evaluated: 2020-01-17. Review status: criteria provided, single submitter. Criteria: ACMG Guidelines, 2015. Collection method: clinical testing. Allele origin: germline. Inheritance: Autosomal dominant inheritance. Affected: yes. Observed: 1 heterozygote.

Literature cited by the submitters: PubMed 10712197 (cited by Labcorp Genetics (formerly Invitae), Labcorp); PubMed 23913538 (cited by Labcorp Genetics (formerly Invitae), Labcorp).